The following is an entry in ClinVar:

NM_002738.7(PRKCB):c.1920A>T (p.Leu640=)

Gene: PRKCB (protein kinase C beta; plus strand). Cytogenetic location: 16p12.1.
Variant type: single nucleotide variant.
Coding change: c.1920A>T on transcript NM_002738.7 (MANE Select); coding-DNA position 1920, A replaced by T.
Protein change: p.Leu640=; no amino-acid change (leucine 640 retained).
Molecular consequence: synonymous variant. On other transcripts: intron variant (1).
Genome position (GRCh38, 1-based): chr16:24,214,714, A>T. VCF-style: chr16-24214714-A-T. GRCh37 (hg19) VCF-style: chr16-24226035-A-T.
Other names: c.1864-5247A>T (NM_212535.3).
Identifiers: ClinVar variation 4981888 (VCV004981888.1).
Genomic context (GRCh38, chr16:24,214,714, plus strand): 5'-ATAGTGTGGGCGAAATGCTGAAAACTTCGACCGATTTTTCACCCGCCATCCACCAGTCCT[A>T]ACACCTCCCGACCAGGAAGTCATCAGGAATATTGACCAATCAGAATTCGAAGGATTTTCC-3'
Protein context (NP_002729.2, residues 630-650): DRFFTRHPPV[Leu640=]TPPDQEVIRN

ClinVar aggregate classification (germline): Likely benign (1 of 4 stars; one submission).

Conditions:
PRKCB-related disorder. Also called: PRKCB-related condition.

gnomAD v4.1: 18 of 1,614,052 alleles (0.0011%); highest among the groups gnomAD compares: Non-Finnish European, 0.0014%; no homozygotes.

Submission:

PreventionGenetics, part of Exact Sciences
Classification: Likely benign for PRKCB-related condition. Last evaluated: 2025-08-05. Review status: criteria provided, single submitter. Criteria: ACMG Guidelines, 2015. Collection method: clinical testing. Allele origin: germline.
Comment: This variant is classified as likely benign based on ACMG/AMP sequence variant interpretation guidelines (Richards et al. 2015 PMID: 25741868, with internal and published modifications).